The following is an entry in ClinVar:

NM_144991.3(TSPEAR):c.1353C>T (p.Ile451=)

Gene: TSPEAR (thrombospondin type laminin G domain and EAR repeats; minus strand). Cytogenetic location: 21q22.3.
Variant type: single nucleotide variant.
Coding change: c.1353C>T on transcript NM_144991.3 (MANE Select); coding-DNA position 1353, C replaced by T.
Protein change: p.Ile451=; no amino-acid change (isoleucine 451 retained).
Molecular consequence: synonymous variant.
Genome position (GRCh38, 1-based): chr21:44,522,096, G>A on the plus strand (C>T on the coding strand, the complement: TSPEAR is on the minus strand). VCF-style: chr21-44522096-G-A. GRCh37 (hg19) VCF-style: chr21-45941979-G-A.
Other names: c.1149C>T, p.Ile383= (NM_001272037.2).
Identifiers: ClinVar variation 3046763 (VCV003046763.5), dbSNP rs587652857, ClinGen allele CA10056602.

ClinVar aggregate classification (germline): Benign/Likely benign. Review status: criteria provided, multiple submitters, no conflicts (2 of 4 stars). 3 submissions from 3 submitters: Benign (1); Likely benign (1). 1 of the submissions does not count toward it. Last evaluated 2025-01-27.

Conditions:
TSPEAR-related disorder. Also called: TSPEAR-related condition.

Allele frequency attached by ClinVar (database versions not stated): gnomAD 0.00001; TOPMed 0.00002; 1000 Genomes Project 30x 0.00031; 1000 Genomes Project 0.00040; ExAC 0.00042.
gnomAD v4.1: 185 of 1,614,066 alleles (0.011%); highest among the groups gnomAD compares: South Asian, 0.17%; 2 homozygotes.

Submissions (3):

Labcorp Genetics (formerly Invitae), Labcorp
Classification: Benign. Last evaluated: 2025-01-27. Review status: criteria provided, single submitter. Criteria: Invitae Variant Classification Sherloc (09022015). Collection method: clinical testing. Allele origin: germline.

Blueprint Genetics
Classification: Likely benign. Last evaluated: 2024-01-23. Review status: criteria provided, single submitter. Criteria: ACMG Guidelines, 2015. Collection method: clinical testing. Allele origin: germline.

PreventionGenetics, part of Exact Sciences
Classification: Likely benign for TSPEAR-related condition. Last evaluated: 2019-02-21. Review status: no assertion criteria provided. Collection method: clinical testing. Allele origin: germline. Not counted in ClinVar's aggregate classification.
Comment: This variant is classified as likely benign based on ACMG/AMP sequence variant interpretation guidelines (Richards et al. 2015 PMID: 25741868, with internal and published modifications).